The following is an entry in ClinVar:

ClinVar aggregate classification (germline): Pathogenic/Likely pathogenic. Review status: criteria provided, multiple submitters, no conflicts (2 of 4 stars). 5 submissions from 5 submitters: Pathogenic (3); Likely pathogenic (1). 1 of the submissions does not count toward it. Last evaluated 2025-01-21.

Conditions:
Glycogen storage disease type III (GSD3). Also called: FORBES DISEASE; Cori disease. Identifiers: Orphanet 366, MedGen C0017922, MONDO:0009291, OMIM 232400.

Submissions (5):

ARUP Laboratories, Molecular Genetics and Genomics, ARUP Laboratories
Classification: Pathogenic. Last evaluated: 2025-01-21. Review status: criteria provided, single submitter. Criteria: ARUP Molecular Germline Variant Investigation Process 2024. Collection method: clinical testing. Allele origin: germline.
Comment: The AGL c.4323del; p.Gly1442ValfsTer27 variant (rs1057516994, ClinVar Variation ID 550348) is reported in the literature in one individual affected with glycogen storage disease type III while found in trans with another pathogenic variant (Lu 2016). This variant is absent from the Genome Aggregation Database (v2.1.1), indicating it is not a common polymorphism. This variant causes a frameshift by deleting a single nucleotide, so it is predicted to result in a truncated protein or mRNA subject to nonsense-mediated decay. Based on available information, this variant is considered to be pathogenic. References: Lu C et al. Spectrum of AGL mutations in Chinese patients with glycogen storage disease type III: identification of 31 novel mutations. J Hum Genet. 2016 Jul;61(7):641-5. PMID: 26984562.

Natera, Inc.
Classification: Pathogenic for Glycogen storage disease type III. Last evaluated: 2024-09-26. Review status: criteria provided, single submitter. Criteria: Natera Variant Classification Schema (03/2026). Collection method: clinical testing. Allele origin: germline.
Comment: The c.4323delA variant in AGL is a frameshift variant predicted to shift the reading frame beginning at codon 1442 and leads to a stop codon 27 codons downstream. This variant is expected to result in nonsense mediated decay, truncation, or a dysfunctional protein product. This variant is rare in the general population with a frequency below the threshold expected for the associated phenotype(s). This variant has been observed in one or more individuals affected with the associated recessive disease, as either homozygous or compound heterozygous with a second variant (PMID: 26984562). Given the available evidence, this variant is classified as Pathogenic.

Labcorp Genetics (formerly Invitae), Labcorp
Classification: Pathogenic for Glycogen storage disease type III. Last evaluated: 2023-08-09. Review status: criteria provided, single submitter. Criteria: Invitae Variant Classification Sherloc (09022015). Collection method: clinical testing. Allele origin: germline.
Comment: For these reasons, this variant has been classified as Pathogenic. ClinVar contains an entry for this variant (Variation ID: 550348). This premature translational stop signal has been observed in individual(s) with glycogen storage disease (PMID: 26984562). This variant is not present in population databases (gnomAD no frequency). This sequence change creates a premature translational stop signal (p.Gly1442Valfs*27) in the AGL gene. It is expected to result in an absent or disrupted protein product. Loss-of-function variants in AGL are known to be pathogenic (PMID: 19299494).

Genome-Nilou Lab
Classification: Likely pathogenic for Glycogen storage disease type III. Last evaluated: 2023-04-11. Review status: criteria provided, single submitter. Criteria: ACMG Guidelines, 2015. Collection method: clinical testing. Allele origin: germline. Affected: no.

Counsyl
Classification: Likely pathogenic for Glycogen storage disease type III. Last evaluated: 2017-01-13. Review status: no assertion criteria provided. Collection method: clinical testing. Allele origin: unknown. Not counted in ClinVar's aggregate classification.

Literature cited by the submitters: PubMed 26984562 (cited by 3 submitters); PubMed 19299494 (cited by Labcorp Genetics (formerly Invitae), Labcorp).

NM_000642.3(AGL):c.4323del (p.Gly1442fs)

Gene: AGL (amylo-alpha-1,6-glucosidase and 4-alpha-glucanotransferase; plus strand). Cytogenetic location: 1p21.2.
Variant type: Deletion.
Coding change: c.4323del on transcript NM_000642.3 (MANE Select); coding-DNA position 4323, one base deleted (A; older notation c.4323delA).
Protein change: p.Gly1442fs; shifts the reading frame from glycine 1442.
Molecular consequence: frameshift variant.
Genome position (GRCh38, 1-based): chr1:99,916,473, A deleted; the last of 3 consecutive A bases (chr1:99,916,471-99,916,473); deleting any one gives the same sequence. VCF-style (leftmost placement, unchanged base first): chr1-99916470-TA-T. GRCh37 (hg19) VCF-style: chr1-100382026-TA-T.
Other names: c.4302delA, p.Gly1435Valfs (NM_001425326.1); c.4122delA, p.Gly1375Valfs (NM_001425327.1); c.4119delA, p.Gly1374Valfs (NM_001425328.1); c.3984delA, p.Gly1329Valfs (NM_001425329.1); c.3945delA, p.Gly1316Valfs (NM_001425332.1); c.4323delA, p.Gly1442Valfs (NM_000028.3, NM_000643.3, NM_000644.3 and 1 more transcripts); c.4275delA, p.Gly1426Valfs (NM_000646.3); short protein forms G1426fs, G1442fs.
Identifiers: ClinVar variation 550348 (VCV000550348.9), dbSNP rs1057516994, ClinGen allele CA658821099.